The following is an entry in ClinVar:

NC_000020.11:g.(?_63428347)_(63497783_?)del

Genes: EEF1A2 (eukaryotic translation elongation factor 1 alpha 2; minus strand), KCNQ2 (potassium voltage-gated channel subfamily Q member 2; minus strand), KCNQ2-AS1 (KCNQ2 antisense RNA 1; plus strand), LOC129391211 (MPRA-validated peak4316 silencer; plus strand), LOC129391212 (MPRA-validated peak4318 silencer; plus strand) and 2 more. Cytogenetic location: 20q13.33.
Variant type: Deletion.
Identifiers: ClinVar variation 646958 (VCV000646958.6).

ClinVar aggregate classification (germline): Pathogenic (1 of 4 stars; one submission).

Conditions:
Developmental and epileptic encephalopathy. Identifiers: MedGen C5779964, MONDO:0100620.

Submission:

Labcorp Genetics (formerly Invitae), Labcorp
Classification: Pathogenic for Early-infantile DEE. Last evaluated: 2018-12-31. Review status: criteria provided, single submitter. Criteria: Invitae Variant Classification Sherloc (09022015). Collection method: clinical testing. Allele origin: germline.
Comment: For these reasons, this variant has been classified as Pathogenic. Loss-of-function variants in KCNQ2 are known to be pathogenic (PMID: 14534157, 23692823, 25951140, 25959266, 26758118, 27779742). This variant has not been reported in the literature in individuals with KCNQ2-related disease. This variant is a gross deletion of the genomic region encompassing exons 1-10 of the KCNQ2 gene, which includes the initiator codon. The 5' end of this event is unknown as it extends beyond the assayed region for this gene and therefore may encompass additional genes. The 3' boundary is likely confined to intron 10 of the KCNQ2 gene. This is expected to result in an absent or disrupted protein product.

Literature cited by the submitters: PubMed 14534157; PubMed 23692823; PubMed 25951140; PubMed 25959266; PubMed 26758118; PubMed 27779742.